The following is an entry in ClinVar:

NM_001297.5(CNGB1):c.3403C>T (p.Arg1135Trp)

Gene: CNGB1 (cyclic nucleotide gated channel subunit beta 1; minus strand). Cytogenetic location: 16q21.
Variant type: single nucleotide variant.
Coding change: c.3403C>T on transcript NM_001297.5 (MANE Select); coding-DNA position 3403, C replaced by T.
Protein change: p.Arg1135Trp; replaces arginine 1135 with tryptophan.
Molecular consequence: missense variant.
Genome position (GRCh38, 1-based): chr16:57,887,914, G>A on the plus strand (C>T on the coding strand, the complement: CNGB1 is on the minus strand). VCF-style: chr16-57887914-G-A. GRCh37 (hg19) VCF-style: chr16-57921818-G-A.
Other names: c.3385C>T, p.Arg1129Trp (NM_001286130.2); c.3403C>T (NM_001297.4); short protein forms R1135W, R1129W.
Identifiers: ClinVar variation 1365375 (VCV001365375.9), dbSNP rs753974570, ClinGen allele CA8082580.

ClinVar aggregate classification (germline): Uncertain significance. Review status: criteria provided, multiple submitters, no conflicts (2 of 4 stars). 2 submissions from 2 submitters: Uncertain significance (2). Last evaluated 2025-03-17.

Conditions:
Inborn genetic diseases. Identifiers: MedGen C0950123, MeSH D030342.

Allele frequency attached by ClinVar (database versions not stated): gnomAD 0.00001; TOPMed 0.00001; ExAC 0.00002; gnomAD exomes 0.00002.
gnomAD v4.1: 30 of 1,614,032 alleles (0.0019%); highest among the groups gnomAD compares: South Asian, 0.0077%; no homozygotes.

Submissions (2):

Labcorp Genetics (formerly Invitae), Labcorp
Classification: Uncertain significance. Last evaluated: 2025-03-17. Review status: criteria provided, single submitter. Criteria: Invitae Variant Classification Sherloc (09022015). Collection method: clinical testing. Allele origin: germline.
Comment: This sequence change replaces arginine, which is basic and polar, with tryptophan, which is neutral and slightly polar, at codon 1135 of the CNGB1 protein (p.Arg1135Trp). This variant is present in population databases (rs753974570, gnomAD 0.007%). This variant has not been reported in the literature in individuals affected with CNGB1-related conditions. ClinVar contains an entry for this variant (Variation ID: 1365375). Invitae Evidence Modeling of protein sequence and biophysical properties (such as structural, functional, and spatial information, amino acid conservation, physicochemical variation, residue mobility, and thermodynamic stability) indicates that this missense variant is expected to disrupt CNGB1 protein function with a positive predictive value of 80%. In summary, the available evidence is currently insufficient to determine the role of this variant in disease. Therefore, it has been classified as a Variant of Uncertain Significance.

Ambry Genetics
Classification: Uncertain significance for Inborn genetic diseases. Last evaluated: 2023-05-31. Review status: criteria provided, single submitter. Criteria: Ambry Variant Classification Scheme 2023. Collection method: clinical testing. Allele origin: germline.